The following is an entry in ClinVar:

NM_005188.4(CBL):c.*239A>G

Gene: CBL (Cbl proto-oncogene; plus strand). Cytogenetic location: 11q23.3.
Variant type: single nucleotide variant.
Coding change: c.*239A>G on transcript NM_005188.4 (MANE Select); 239 bases downstream of the stop codon, A replaced by G.
Molecular consequence: 3 prime UTR variant.
Genome position (GRCh38, 1-based): chr11:119,300,020, A>G. VCF-style: chr11-119300020-A-G. GRCh37 (hg19) VCF-style: chr11-119170730-A-G.
Identifiers: ClinVar variation 302790 (VCV000302790.5), dbSNP rs140332874, ClinGen allele CA10629969.

ClinVar aggregate classification (germline): Benign (1 of 4 stars; one submission).

Conditions:
CBL-related disorder. Also called: NOONAN SYNDROME-LIKE DISORDER WITHOUT JUVENILE MYELOMONOCYTIC LEUKEMIA; CBL MUTATION-ASSOCIATED SYNDROME; CBL SYNDROME. Identifiers: Orphanet 363972, MedGen C3150803, MONDO:0013308, OMIM 613563.

Allele frequency attached by ClinVar (database versions not stated): 1000 Genomes Project 30x 0.00031; 1000 Genomes Project 0.00040; TOPMed 0.00083; gnomAD 0.00093 and 0.00095; gnomAD exomes 0.00101.
gnomAD v4.1: 589 of 599,454 alleles (0.098%); highest among the groups gnomAD compares: Non-Finnish European, 0.15%; no homozygotes.

Submission:

Illumina Laboratory Services, Illumina
Classification: Benign for CBL-related disorder. Last evaluated: 2018-01-13. Review status: criteria provided, single submitter. Criteria: ICSL Variant Classification Criteria 13 December 2019. Collection method: clinical testing. Allele origin: germline.
Comment: This variant was observed in the ICSL laboratory as part of a predisposition screen in an ostensibly healthy population. It had not been previously curated by ICSL or reported in the Human Gene Mutation Database (HGMD: prior to June 1st, 2018), and was therefore a candidate for classification through an automated scoring system. Utilizing variant allele frequency, disease prevalence and penetrance estimates, and inheritance mode, an automated score was calculated to assess if this variant is too frequent to cause the disease. Based on the score and internal cut-off values, a variant classified as benign is not then subjected to further curation. The score for this variant resulted in a classification of benign for this disease.